The following is an entry in ClinVar:

NM_000355.4(TCN2):c.1043C>T (p.Ser348Phe)

Gene: TCN2 (transcobalamin 2; plus strand). Cytogenetic location: 22q12.2.
Variant type: single nucleotide variant.
Coding change: c.1043C>T on transcript NM_000355.4 (MANE Select); coding-DNA position 1043, C replaced by T.
Protein change: p.Ser348Phe; replaces serine 348 with phenylalanine.
Molecular consequence: missense variant.
Genome position (GRCh38, 1-based): chr22:30,617,432, C>T. VCF-style: chr22-30617432-C-T. GRCh37 (hg19) VCF-style: chr22-31013419-C-T.
Other names: c.962C>T, p.Ser321Phe (NM_001184726.2); short protein forms S348F, S321F.
Identifiers: ClinVar variation 341211 (VCV000341211.18), dbSNP rs9621049, ClinGen allele CA10184942.
Genomic context (GRCh38, chr22:30,617,432, plus strand): 5'-AGATCATCAGTGTCACGCTGCAGGTGCTTAGTCTCTTGCCGCCGTACAGACAGTCCATCT[C>T]TGTTCTGGCCGGGTCCACCGTGGAAGATGTCCTGAAGAAGGCCCATGAGTTAGGAGGATT-3'
Protein context (NP_000346.2, residues 338-358): SLLPPYRQSI[Ser348Phe]VLAGSTVEDV

ClinVar aggregate classification (germline): Benign. Review status: criteria provided, multiple submitters, no conflicts (2 of 4 stars). 5 submissions from 5 submitters: Benign (5). Last evaluated 2026-02-04.

Conditions:
Transcobalamin II deficiency (TCN2D). Also called: TC II DEFICIENCY; TCN2 DEFICIENCY; Transcolabamin II deficiency. Identifiers: Orphanet 859, MedGen C0342701, MONDO:0010149, OMIM 275350.

Allele frequency attached by ClinVar (database versions not stated): 1000 Genomes Project 0.10863; 1000 Genomes Project 30x 0.10931; ExAC 0.11189; gnomAD exomes 0.11369; TOPMed 0.12455; gnomAD 0.12714; ESP Exome Variant Server 0.12717.

Submissions (5):

Labcorp Genetics (formerly Invitae), Labcorp
Classification: Benign for Transcobalamin II deficiency. Last evaluated: 2026-02-04. Review status: criteria provided, single submitter. Criteria: Invitae Variant Classification Sherloc (09022015). Collection method: clinical testing. Allele origin: germline.

Mayo Clinic Laboratories, Mayo Clinic
Classification: Benign. Last evaluated: 2022-09-06. Review status: criteria provided, single submitter. Criteria: ACMG Guidelines, 2015. Collection method: clinical testing. Allele origin: germline. Observed: 32 variant alleles.

GeneDx
Classification: Benign. Last evaluated: 2018-10-17. Review status: criteria provided, single submitter. Criteria: GeneDx Variant Classification Process June 2021. Collection method: clinical testing. Allele origin: germline. Affected: yes.

Illumina Laboratory Services, Illumina
Classification: Benign for Transcobalamin II deficiency. Last evaluated: 2018-01-13. Review status: criteria provided, single submitter. Criteria: ICSL Variant Classification Criteria 13 December 2019. Collection method: clinical testing. Allele origin: germline.
Comment: This variant was observed in the ICSL laboratory as part of a predisposition screen in an ostensibly healthy population. It had not been previously curated by ICSL or reported in the Human Gene Mutation Database (HGMD: prior to June 1st, 2018), and was therefore a candidate for classification through an automated scoring system. Utilizing variant allele frequency, disease prevalence and penetrance estimates, and inheritance mode, an automated score was calculated to assess if this variant is too frequent to cause the disease. Based on the score and internal cut-off values, a variant classified as benign is not then subjected to further curation. The score for this variant resulted in a classification of benign for this disease.

Breakthrough Genomics
Classification: Benign. Review status: criteria provided, single submitter. Criteria: ACMG Guidelines, 2015. Collection method: not provided. Allele origin: germline. Inheritance: Autosomal recessive inheritance. Affected: yes.